The following is an entry in ClinVar:

NM_001365088.1(SLC12A6):c.543+2T>G

Gene: SLC12A6 (solute carrier family 12 member 6; minus strand). Cytogenetic location: 15q14.
Variant type: single nucleotide variant.
Coding change: c.543+2T>G on transcript NM_001365088.1 (MANE Select); the canonical splice donor site of the intron after coding-DNA position 543, T replaced by G.
Molecular consequence: splice donor variant.
Genome position (GRCh38, 1-based): chr15:34,258,811, A>C on the plus strand (T>G on the coding strand, the complement: SLC12A6 is on the minus strand). VCF-style: chr15-34258811-A-C. GRCh37 (hg19) VCF-style: chr15-34551012-A-C.
Other names: c.366+2T>G (NM_001042495.2, NM_001042494.2); c.516+2T>G (NM_001042496.2); c.498+2T>G (NM_001042497.2); c.543+2T>G (NM_133647.2); c.390+2T>G (NM_005135.2).
Identifiers: ClinVar variation 551801 (VCV000551801.7), dbSNP rs1555381538, ClinGen allele CA391613292.

ClinVar aggregate classification (germline): Likely pathogenic. Review status: criteria provided, single submitter (1 of 4 stars). 2 submissions from 2 submitters: Likely pathogenic (1). 1 of the submissions does not count toward it. Last evaluated 2022-04-13.

Conditions:
Agenesis of the corpus callosum with peripheral neuropathy (ACCPN). Also called: CHARLEVOIX DISEASE; POLYNEUROPATHY, SENSORIMOTOR, WITH OR WITHOUT AGENESIS OF THE CORPUS CALLOSUM; HMSN/ACC; Hereditary Motor and Sensory Neuropathy with Agenesis of the Corpus Callosum. Identifiers: Orphanet 1496, MedGen C0795950, MONDO:0000902, OMIM 218000. Disease mechanism: loss of function.

Allele frequency attached by ClinVar (database versions not stated): gnomAD exomes below 0.00001.
gnomAD v4.1: 1 of 1,612,642 alleles (0.000062%); highest among the groups gnomAD compares: Non-Finnish European, 0.000085%; no homozygotes.

Submissions (2):

Labcorp Genetics (formerly Invitae), Labcorp
Classification: Likely pathogenic. Last evaluated: 2022-04-13. Review status: criteria provided, single submitter. Criteria: Invitae Variant Classification Sherloc (09022015). Collection method: clinical testing. Allele origin: germline.
Comment: Algorithms developed to predict the effect of sequence changes on RNA splicing suggest that this variant may disrupt the consensus splice site. In summary, the currently available evidence indicates that the variant is pathogenic, but additional data are needed to prove that conclusively. Therefore, this variant has been classified as Likely Pathogenic. ClinVar contains an entry for this variant (Variation ID: 551801). This variant has not been reported in the literature in individuals affected with SLC12A6-related conditions. This variant is not present in population databases (gnomAD no frequency). This sequence change affects a donor splice site in intron 4 of the SLC12A6 gene. It is expected to disrupt RNA splicing. Variants that disrupt the donor or acceptor splice site typically lead to a loss of protein function (PMID: 16199547), and loss-of-function variants in SLC12A6 are known to be pathogenic (PMID: 12368912, 16606917).

Counsyl
Classification: Likely pathogenic for Agenesis of the corpus callosum with peripheral neuropathy. Last evaluated: 2017-05-09. Review status: no assertion criteria provided. Collection method: clinical testing. Allele origin: unknown. Not counted in ClinVar's aggregate classification.

Literature cited by the submitters: PubMed 16199547 (cited by Labcorp Genetics (formerly Invitae), Labcorp); PubMed 12368912 (cited by Labcorp Genetics (formerly Invitae), Labcorp); PubMed 16606917 (cited by Labcorp Genetics (formerly Invitae), Labcorp).